The following is an entry in ClinVar:

ClinVar aggregate classification (germline): Uncertain significance (1 of 4 stars; one submission).

Conditions:
Familial dysautonomia. Also called: HSAN III; FD. Identifiers: Orphanet 1764, MedGen C0013364, MONDO:0009131, OMIM 223900. Disease mechanism: loss of function.

Allele frequency attached by ClinVar (database versions not stated): TOPMed below 0.00001.

Submission:

ARUP Laboratories, Molecular Genetics and Genomics, ARUP Laboratories
Classification: Uncertain significance for Familial dysautonomia. Last evaluated: 2018-12-26. Review status: criteria provided, single submitter. Criteria: ARUP Molecular Germline Variant Investigation Process. Collection method: clinical testing. Allele origin: germline.
Comment: The ELP1 c.3128A>G; p.Asp1043Gly variant, to our knowledge, is not reported in the medical literature or gene specific databases. This variant is also absent from general population databases (1000 Genomes Project, Exome Variant Server, and Genome Aggregation Database), indicating it is not a common polymorphism. The aspartic acid at codon 1043 is weakly conserved, and computational analyses (SIFT, PolyPhen-2) predict that this variant is tolerated. Due to limited information, the clinical significance of the p.Asp1043Gly variant is uncertain at this time.

NM_003640.5(ELP1):c.3128A>G (p.Asp1043Gly)

Gene: ELP1 (elongator acetyltransferase complex subunit 1; minus strand). Cytogenetic location: 9q31.3.
Variant type: single nucleotide variant.
Coding change: c.3128A>G on transcript NM_003640.5 (MANE Select); coding-DNA position 3128, A replaced by G.
Protein change: p.Asp1043Gly; replaces aspartic acid 1043 with glycine.
Molecular consequence: missense variant.
Genome position (GRCh38, 1-based): chr9:108,891,235, T>C on the plus strand (A>G on the coding strand, the complement: ELP1 is on the minus strand). VCF-style: chr9-108891235-T-C. GRCh37 (hg19) VCF-style: chr9-111653515-T-C.
Other names: c.2786A>G, p.Asp929Gly (NM_001318360.2); c.2081A>G, p.Asp694Gly (NM_001330749.2); short protein forms D1043G, D694G, D929G.
Identifiers: ClinVar variation 811224 (VCV000811224.8), dbSNP rs1388335304, ClinGen allele CA374416247.